The following is an entry in ClinVar:

ClinVar aggregate classification (germline): Benign/Likely benign. Review status: criteria provided, multiple submitters, no conflicts (2 of 4 stars). 2 submissions from 2 submitters: Benign (1); Likely benign (1). Last evaluated 2025-04-16.

Conditions:
CACNB2-related disorder. Also called: CACNB2-related condition.

Submissions (2):

PreventionGenetics, part of Exact Sciences
Classification: Benign for CACNB2-related condition. Last evaluated: 2025-04-16. Review status: criteria provided, single submitter. Criteria: ACMG Guidelines, 2015. Collection method: clinical testing. Allele origin: germline.
Comment: This variant is classified as benign based on ACMG/AMP sequence variant interpretation guidelines (Richards et al. 2015 PMID: 25741868, with internal and published modifications).

Blueprint Genetics
Classification: Likely benign. Last evaluated: 2024-11-23. Review status: criteria provided, single submitter. Criteria: ACMG Guidelines, 2015. Collection method: clinical testing. Allele origin: germline.

NM_201596.3(CACNB2):c.121-3_121-2insGT

Gene: CACNB2 (calcium voltage-gated channel auxiliary subunit beta 2; plus strand). Cytogenetic location: 10p12.33.
Variant type: Insertion.
Coding change: c.121-3_121-2insGT on transcript NM_201596.3 (MANE Select); 3 bases into the intron before coding-DNA position 121 through the canonical splice acceptor site of the intron before coding-DNA position 121, GT inserted.
Molecular consequence: intron variant.
Genome position: GRCh38 VCF-style: chr10-18150879-T-TTG. GRCh37 (hg19) VCF-style: chr10-18439808-T-TTG.
Other names: c.37-3_37-2insGT (NM_001167945.1, NM_201571.4, NM_001167945.2 and 1 more transcripts); c.121-3_121-2insGT (NM_201593.3, NM_201597.3).
Identifiers: ClinVar variation 4906725 (VCV004906725.2).